The following is an entry in ClinVar:

ClinVar aggregate classification (germline): Uncertain significance. Review status: criteria provided, multiple submitters, no conflicts (2 of 4 stars). 5 submissions from 5 submitters: Uncertain significance (5). Last evaluated 2021-05-01.

Conditions:
Autosomal recessive ataxia, Beauce type. Also called: ATAXIA, RECESSIVE, OF BEAUCE; SYNE1 Deficiency; SYNE1-Related Autosomal Recessive Cerebellar Ataxia; Spinocerebellar ataxia, autosomal recessive 8. Identifiers: Orphanet 88644, MedGen C1853116, MONDO:0012549, OMIM 610743.
Emery-Dreifuss muscular dystrophy 4, autosomal dominant (EDMD4). Also called: EMERY-DREIFUSS MUSCULAR DYSTROPHY 4 WITH VARIABLE FEATURES. Identifiers: Orphanet 261, MedGen C2751807, MONDO:0013071, OMIM 612998.
Intellectual disability. Also called: intellectual disabilities; Intellectual functioning disability; Intellectual developmental disorder. Identifiers: MedGen C3714756, MeSH D008607, MONDO:0001071, HP:0001249.

Allele frequency attached by ClinVar (database versions not stated): TOPMed 0.00001; gnomAD 0.00002.
gnomAD v4.1: 64 of 1,613,724 alleles (0.004%); highest among the groups gnomAD compares: Non-Finnish European, 0.0054%; no homozygotes.

Submissions (5):

CeGaT Center for Human Genetics Tuebingen
Classification: Uncertain significance. Last evaluated: 2021-05-01. Review status: criteria provided, single submitter. Criteria: CeGaT Center For Human Genetics Tuebingen Variant Classification Criteria Version 2. Collection method: clinical testing. Allele origin: germline. Affected: yes. Observed: 1 variant allele.

Labcorp Genetics (formerly Invitae), Labcorp
Classification: Uncertain significance for Emery-Dreifuss muscular dystrophy 4, autosomal dominant; Autosomal recessive ataxia, Beauce type. Last evaluated: 2020-11-16. Review status: criteria provided, single submitter. Criteria: Invitae Variant Classification Sherloc (09022015). Collection method: clinical testing. Allele origin: germline.
Comment: In summary, the available evidence is currently insufficient to determine the role of this variant in disease. Therefore, it has been classified as a Variant of Uncertain Significance. Algorithms developed to predict the effect of sequence changes on RNA splicing suggest that this variant may create or strengthen a splice site, but this prediction has not been confirmed by published transcriptional studies. Algorithms developed to predict the effect of missense changes on protein structure and function are either unavailable or do not agree on the potential impact of this missense change (SIFT: "Deleterious"; PolyPhen-2: "Benign"; Align-GVGD: "Class C65"). This variant has not been reported in the literature in individuals with SYNE1-related conditions. ClinVar contains an entry for this variant (Variation ID: 432701). This variant is not present in population databases (ExAC no frequency). This sequence change replaces aspartic acid with glycine at codon 2830 of the SYNE1 protein (p.Asp2830Gly). The aspartic acid residue is highly conserved and there is a moderate physicochemical difference between aspartic acid and glycine.

GeneDx
Classification: Uncertain significance. Last evaluated: 2020-11-03. Review status: criteria provided, single submitter. Criteria: GeneDx Variant Classification Process June 2021. Collection method: clinical testing. Allele origin: germline. Affected: yes.
Comment: Not observed at a significant frequency in large population cohorts (Lek et al., 2016); In silico analysis supports that this missense variant has a deleterious effect on protein structure/function; Has not been previously published as pathogenic or benign to our knowledge

Cambridge Genomics Laboratory, East Genomic Laboratory Hub, NHS Genomic Medicine Service
Classification: Uncertain significance for Intellectual disability. Last evaluated: 2019-04-17. Review status: criteria provided, single submitter. Criteria: ACGS Best Practice Guidelines for Variant Classification in Rare Disease 2020. Collection method: clinical testing. Allele origin: germline. Affected: yes. Observed: 1 variant allele.

Eurofins Ntd Llc (ga)
Classification: Uncertain significance. Last evaluated: 2018-05-08. Review status: criteria provided, single submitter. Criteria: EGL ClinVar v180209 classification definitions. Collection method: clinical testing. Allele origin: germline. Observed: 1 variant allele, 1 heterozygote.

NM_182961.4(SYNE1):c.8468A>G (p.Asp2823Gly)

Gene: SYNE1 (spectrin repeat containing nuclear envelope protein 1; minus strand). Cytogenetic location: 6q25.2.
Variant type: single nucleotide variant.
Coding change: c.8468A>G on transcript NM_182961.4 (MANE Select); coding-DNA position 8468, A replaced by G.
Protein change: p.Asp2823Gly; replaces aspartic acid 2823 with glycine.
Molecular consequence: missense variant.
Genome position (GRCh38, 1-based): chr6:152,387,091, T>C on the plus strand (A>G on the coding strand, the complement: SYNE1 is on the minus strand). VCF-style: chr6-152387091-T-C. GRCh37 (hg19) VCF-style: chr6-152708226-T-C.
Other names: c.8489A>G, p.Asp2830Gly (NM_033071.5); short protein forms D2823G, D2830G.
Identifiers: ClinVar variation 432701 (VCV000432701.47), dbSNP rs545685387, ClinGen allele CA150238272.